The following is an entry in ClinVar:

NM_182914.3(SYNE2):c.3870C>G (p.His1290Gln)

Gene: SYNE2 (spectrin repeat containing nuclear envelope protein 2; plus strand). Cytogenetic location: 14q23.2.
Variant type: single nucleotide variant.
Coding change: c.3870C>G on transcript NM_182914.3 (MANE Select); coding-DNA position 3870, C replaced by G.
Protein change: p.His1290Gln; replaces histidine 1290 with glutamine.
Molecular consequence: missense variant.
Genome position (GRCh38, 1-based): chr14:64,002,803, C>G. VCF-style: chr14-64002803-C-G. GRCh37 (hg19) VCF-style: chr14-64469521-C-G.
Other names: c.3870C>G, p.His1290Gln (NM_015180.6); short protein forms H1290Q.
Identifiers: ClinVar variation 2091740 (VCV002091740.4), dbSNP rs2551001439, ClinGen allele CA389996637.

ClinVar aggregate classification (germline): Uncertain significance (1 of 4 stars; one submission).

Conditions:
Emery-Dreifuss muscular dystrophy 5, autosomal dominant (EDMD5). Also called: EMERY-DREIFUSS MUSCULAR DYSTROPHY 5. Identifiers: Orphanet 261, MedGen C2751805, MONDO:0013072, OMIM 612999.

Submission:

Labcorp Genetics (formerly Invitae), Labcorp
Classification: Uncertain significance for Emery-Dreifuss muscular dystrophy 5, autosomal dominant. Last evaluated: 2022-02-02. Review status: criteria provided, single submitter. Criteria: Invitae Variant Classification Sherloc (09022015). Collection method: clinical testing. Allele origin: germline.
Comment: This variant has not been reported in the literature in individuals affected with SYNE2-related conditions. In summary, the available evidence is currently insufficient to determine the role of this variant in disease. Therefore, it has been classified as a Variant of Uncertain Significance. Algorithms developed to predict the effect of missense changes on protein structure and function (SIFT, PolyPhen-2, Align-GVGD) all suggest that this variant is likely to be tolerated. This variant is not present in population databases (gnomAD no frequency). This sequence change replaces histidine, which is basic and polar, with glutamine, which is neutral and polar, at codon 1290 of the SYNE2 protein (p.His1290Gln).